The following is an entry in ClinVar:

ClinVar aggregate classification (germline): Uncertain significance (1 of 4 stars; one submission).

Submission:

Labcorp Genetics (formerly Invitae), Labcorp
Classification: Uncertain significance. Last evaluated: 2022-07-11. Review status: criteria provided, single submitter. Criteria: Invitae Variant Classification Sherloc (09022015). Collection method: clinical testing. Allele origin: germline.
Comment: In summary, the available evidence is currently insufficient to determine the role of this variant in disease. Therefore, it has been classified as a Variant of Uncertain Significance. Algorithms developed to predict the effect of missense changes on protein structure and function are either unavailable or do not agree on the potential impact of this missense change (SIFT: "Deleterious"; PolyPhen-2: "Benign"; Align-GVGD: "Class C0"). This variant has not been reported in the literature in individuals affected with MPDZ-related conditions. This variant is not present in population databases (gnomAD no frequency). This sequence change replaces glutamine, which is neutral and polar, with glutamic acid, which is acidic and polar, at codon 1103 of the MPDZ protein (p.Gln1103Glu).

NM_001378778.1(MPDZ):c.3307C>G (p.Gln1103Glu)

Gene: MPDZ (multiple PDZ domain crumbs cell polarity complex component; minus strand). Cytogenetic location: 9p23.
Variant type: single nucleotide variant.
Coding change: c.3307C>G on transcript NM_001378778.1 (MANE Select); coding-DNA position 3307, C replaced by G.
Protein change: p.Gln1103Glu; replaces glutamine 1103 with glutamic acid.
Molecular consequence: missense variant. On other transcripts: intron variant (1).
Genome position (GRCh38, 1-based): chr9:13,162,743, G>C on the plus strand (C>G on the coding strand, the complement: MPDZ is on the minus strand). VCF-style: chr9-13162743-G-C. GRCh37 (hg19) VCF-style: chr9-13162742-G-C.
Other names: c.3307C>G, p.Gln1103Glu (NM_001261406.2, NM_001261407.2, NM_001330637.2 and 13 more transcripts); c.3254+5623C>G (NM_001375427.1); short protein forms Q1103E.
Identifiers: ClinVar variation 2016186 (VCV002016186.4), dbSNP rs1235229504, ClinGen allele CA372952160.